The following is an entry in ClinVar:

ClinVar aggregate classification (germline): Uncertain significance. Review status: criteria provided, multiple submitters, no conflicts (2 of 4 stars). 2 submissions from 2 submitters: Uncertain significance (2). Last evaluated 2025-03-19.

Conditions:
Oto-palato-digital syndrome, type II (OPD2). Also called: FACIOPALATOOSSEOUS SYNDROME; OPD II SYNDROME; Otopalatodigital Syndrome Type 2 (FLNA-OPD2); Otopalatodigital Syndrome, Type II. Identifiers: Orphanet 669, Orphanet 90652, MedGen C1844696, MONDO:0010571, OMIM 304120.
Heterotopia, periventricular, X-linked dominant (PVNH1). Also called: PERIVENTRICULAR NODULAR HETEROTOPIA 1; X-linked periventricular heterotopia; PERIVENTRICULAR NODULAR HETEROTOPIA 4; HETEROTOPIA, PERIVENTRICULAR, 1. Identifiers: Orphanet 2149, Orphanet 82004, MedGen C1848213, MONDO:0010233, OMIM 300049.
Melnick-Needles syndrome (MNS). Also called: MELNICK-NEEDLES OSTEODYSPLASTY; OSTEODYSPLASTY OF MELNICK AND NEEDLES; Melnick-Needles Syndrome (FLNA-MNS). Identifiers: Orphanet 2484, MedGen C0025237, MONDO:0010650, OMIM 309350.
Frontometaphyseal dysplasia (FMD1). Identifiers: Orphanet 1826, MedGen C0265293, MONDO:0015942.

Allele frequency attached by ClinVar (database versions not stated): gnomAD exomes below 0.00001; TOPMed below 0.00001; gnomAD 0.00001.

Submissions (2):

Labcorp Genetics (formerly Invitae), Labcorp
Classification: Uncertain significance for Oto-palato-digital syndrome, type II; Heterotopia, periventricular, X-linked dominant; Frontometaphyseal dysplasia; Melnick-Needles syndrome. Last evaluated: 2025-03-19. Review status: criteria provided, single submitter. Criteria: Invitae Variant Classification Sherloc (09022015). Collection method: clinical testing. Allele origin: germline.
Comment: This sequence change replaces serine, which is neutral and polar, with cysteine, which is neutral and slightly polar, at codon 2 of the FLNA protein (p.Ser2Cys). This variant is not present in population databases (gnomAD no frequency). This variant has not been reported in the literature in individuals affected with FLNA-related conditions. ClinVar contains an entry for this variant (Variation ID: 2637628). Invitae Evidence Modeling of protein sequence and biophysical properties (such as structural, functional, and spatial information, amino acid conservation, physicochemical variation, residue mobility, and thermodynamic stability) indicates that this missense variant is not expected to disrupt FLNA protein function with a negative predictive value of 95%. In summary, the available evidence is currently insufficient to determine the role of this variant in disease. Therefore, it has been classified as a Variant of Uncertain Significance.

Women's Health and Genetics/Laboratory Corporation of America, LabCorp
Classification: Uncertain significance. Last evaluated: 2023-10-09. Review status: criteria provided, single submitter. Criteria: LabCorp Variant Classification Summary - May 2015. Collection method: clinical testing. Allele origin: germline.

NM_001110556.2(FLNA):c.4A>T (p.Ser2Cys)

Gene: FLNA (filamin A; minus strand). Cytogenetic location: Xq28.
Variant type: single nucleotide variant.
Coding change: c.4A>T on transcript NM_001110556.2 (MANE Select); coding-DNA position 4, A replaced by T.
Protein change: p.Ser2Cys; replaces serine 2 with cysteine.
Molecular consequence: missense variant.
Genome position (GRCh38, 1-based): chrX:154,371,242, T>A on the plus strand (A>T on the coding strand, the complement: FLNA is on the minus strand). VCF-style: chrX-154371242-T-A. GRCh37 (hg19) VCF-style: chrX-153599610-T-A.
Other names: c.4A>T, p.Ser2Cys (NM_001456.4); short protein forms S2C.
Identifiers: ClinVar variation 2637628 (VCV002637628.2), dbSNP rs1391610154, ClinGen allele CA415255949.
Genomic context (GRCh38, chrX:154,371,242, plus strand): 5'-CGACGCCGCCGCCCGGAGCCGCGCCTGCTGCGCTCTGGCCCGCCCGAGAGTGGGAGCTAC[T>A]CATTTTGAGGCGCGAGAAGCCGGGGGGGCGGTGCTGCAGCCTCGGCGAGGGGACGGCCCT-3'
Protein context (NP_001104026.1, residues 1-12): M[Ser2Cys]SSHSRAGQSA